The following is an entry in ClinVar:

ClinVar aggregate classification (germline): Uncertain significance (1 of 4 stars; one submission).

Conditions:
Capillary malformation-arteriovenous malformation syndrome. Also called: Capillary malformation-arteriovenous malformation. Identifiers: Orphanet 137667, MedGen C1842180, MONDO:0012016.

Allele frequency attached by ClinVar (database versions not stated): gnomAD exomes below 0.00001.
gnomAD v4.1: 1 of 1,614,002 alleles (0.000062%); highest among the groups gnomAD compares: Admixed American, 0.0017%; no homozygotes.

Submission:

Labcorp Genetics (formerly Invitae), Labcorp
Classification: Uncertain significance for Capillary malformation-arteriovenous malformation syndrome. Last evaluated: 2023-05-14. Review status: criteria provided, single submitter. Criteria: Invitae Variant Classification Sherloc (09022015). Collection method: clinical testing. Allele origin: germline.
Comment: In summary, the available evidence is currently insufficient to determine the role of this variant in disease. Therefore, it has been classified as a Variant of Uncertain Significance. An algorithm developed to predict the effect of missense changes on protein structure and function (PolyPhen-2) suggests that this variant is likely to be tolerated. This variant has not been reported in the literature in individuals affected with RASA1-related conditions. This variant is present in population databases (no rsID available, gnomAD 0.003%). This sequence change replaces histidine, which is basic and polar, with tyrosine, which is neutral and polar, at codon 695 of the RASA1 protein (p.His695Tyr).

NM_002890.3(RASA1):c.2083C>T (p.His695Tyr)

Genes: CCNH (cyclin H; minus strand), RASA1 (RAS p21 protein activator 1; plus strand). Cytogenetic location: 5q14.3.
Variant type: single nucleotide variant.
Coding change: c.2083C>T on transcript NM_002890.3 (MANE Select); coding-DNA position 2083, C replaced by T.
Protein change: p.His695Tyr; replaces histidine 695 with tyrosine.
Molecular consequence: missense variant. On other transcripts: intron variant (1).
Genome position (GRCh38, 1-based): chr5:87,376,464, C>T. VCF-style: chr5-87376464-C-T. GRCh37 (hg19) VCF-style: chr5-86672281-C-T.
Other names: c.1552C>T, p.His518Tyr (NM_022650.3); c.933+18580G>A (NM_001364075.2); short protein forms H518Y, H695Y.
Identifiers: ClinVar variation 2996979 (VCV002996979.3), dbSNP rs1283751031, ClinGen allele CA360378816.